The following is an entry in ClinVar:

NM_002230.4(JUP):c.1827_1828del (p.Cys609_Glu610delinsTer)

Gene: JUP (junction plakoglobin; minus strand). Cytogenetic location: 17q21.2.
Variant type: Microsatellite.
Coding change: c.1827_1828del on transcript NM_002230.4 (MANE Select); coding-DNA positions 1827 to 1828, 2 bases deleted (TG; older notation c.1827_1828delTG).
Protein change: p.Cys609_Glu610delinsTer.
Molecular consequence: nonsense.
Genome position (GRCh38, 1-based): chr17:41,757,730-41,757,731, CA deleted on the plus strand (TG on the coding strand, the reverse complement: JUP is on the minus strand); deleting any 2 consecutive bases within chr17:41,757,730-41,757,735 gives the same sequence; the c. name uses the placement nearest the transcript's 3' end. VCF-style (leftmost placement, unchanged base first): chr17-41757729-TCA-T. GRCh37 (hg19) VCF-style: chr17-39913981-TCA-T.
Other names: c.1827_1828del, p.Cys609_Glu610delinsTer (NM_001352773.2, NM_001352774.2, NM_001352775.2 and 3 more transcripts).
Identifiers: ClinVar variation 3075753 (VCV003075753.1), dbSNP rs1340949974, ClinGen allele CA772061637.

ClinVar aggregate classification (germline): Likely pathogenic (1 of 4 stars; one submission).

Conditions:
Naxos disease (NXD). Also called: KERATOSIS PALMOPLANTARIS WITH ARRHYTHMOGENIC CARDIOMYOPATHY; MAL DE NAXOS; PALMOPLANTAR KERATODERMA WITH ARRHYTHMOGENIC RIGHT VENTRICULAR CARDIOMYOPATHY AND WOOLLY HAIR; WOOLLY HAIR, PALMOPLANTAR KERATODERMA, AND CARDIAC ABNORMALITIES; CARDIOMYOPATHY, ARRHYTHMOGENIC RIGHT VENTRICULAR, WITH SKIN, HAIR, AND NAIL ABNORMALITIES. Identifiers: Orphanet 34217, MedGen C1832600, MONDO:0011017, OMIM 601214.

Submission:

Laboratory for Molecular Medicine, Mass General Brigham Personalized Medicine
Classification: Likely pathogenic for Naxos disease. Last evaluated: 2019-03-21. Review status: criteria provided, single submitter. Criteria: ACMG Guidelines, 2015. Collection method: clinical testing. Allele origin: germline.
Comment: The p.Cys609X variant in JUP has not been previously reported in individuals with Naxos disease or cardiomyopathy and was absent from large population studies. This nonsense variant leads to a premature termination codon at position 609, which is predicted to lead to a truncated or absent protein. Loss of function of the JUP gene is strongly associated to autosomal recessive Naxos disease. In summary, although additional studies are required to fully establish its clinical significance, this variant meets criteria to be classified as likely pathogenic for autosomal recessive Naxos disease. ACMG/AMP Criteria applied: PVS1, PM2.